The following is an entry in ClinVar:

ClinVar aggregate classification (germline): Benign/Likely benign. Review status: criteria provided, multiple submitters, no conflicts (2 of 4 stars). 11 submissions from 11 submitters: Benign (8); Likely benign (1). 2 of the submissions do not count toward it. Last evaluated 2026-02-04.

Conditions:
Nemaline myopathy 2 (NEM2). Also called: Nemaline myopathy 2, autosomal recessive. Identifiers: MedGen C1850569, MONDO:0009725, OMIM 256030.

Allele frequency attached by ClinVar (database versions not stated): 1000 Genomes Project 0.01677; 1000 Genomes Project 30x 0.01843; TOPMed 0.03748; gnomAD 0.03758 and 0.03886; gnomAD exomes 0.04176; ExAC 0.04402; ESP Exome Variant Server 0.04916.
gnomAD v4.1: 86,494 of 1,590,030 alleles (5.4%); highest among the groups gnomAD compares: Non-Finnish European, 6.5%; 2,772 homozygotes.

Submissions (11):

Labcorp Genetics (formerly Invitae), Labcorp
Classification: Benign for Nemaline myopathy 2. Last evaluated: 2026-02-04. Review status: criteria provided, single submitter. Criteria: Invitae Variant Classification Sherloc (09022015). Collection method: clinical testing. Allele origin: germline.

Women's Health and Genetics/Laboratory Corporation of America, LabCorp
Classification: Benign. Last evaluated: 2025-09-14. Review status: criteria provided, single submitter. Criteria: LabCorp Variant Classification Summary - May 2015. Collection method: clinical testing. Allele origin: germline.

Blueprint Genetics
Classification: Likely benign. Last evaluated: 2024-11-26. Review status: criteria provided, single submitter. Criteria: ACMG Guidelines, 2015. Collection method: clinical testing. Allele origin: germline.

Illumina Laboratory Services, Illumina
Classification: Benign for Nemaline myopathy 2. Last evaluated: 2018-01-13. Review status: criteria provided, single submitter. Criteria: ICSL Variant Classification Criteria 13 December 2019. Collection method: clinical testing. Allele origin: germline.
Comment: This variant was observed in the ICSL laboratory as part of a predisposition screen in an ostensibly healthy population. It had not been previously curated by ICSL or reported in the Human Gene Mutation Database (HGMD: prior to June 1st, 2018), and was therefore a candidate for classification through an automated scoring system. Utilizing variant allele frequency, disease prevalence and penetrance estimates, and inheritance mode, an automated score was calculated to assess if this variant is too frequent to cause the disease. Based on the score and internal cut-off values, a variant classified as benign is not then subjected to further curation. The score for this variant resulted in a classification of benign for this disease.

Mayo Clinic Laboratories, Mayo Clinic
Classification: Benign. Last evaluated: 2018-01-12. Review status: criteria provided, single submitter. Criteria: ACMG Guidelines, 2015. Collection method: clinical testing. Allele origin: germline. Observed: 62 variant alleles.

GeneDx
Classification: Benign. Last evaluated: 2016-02-26. Review status: criteria provided, single submitter. Criteria: GeneDx Variant Classification (06012015). Collection method: clinical testing. Allele origin: germline. Affected: yes.
Comment: This variant is considered likely benign or benign based on one or more of the following criteria: it is a conservative change, it occurs at a poorly conserved position in the protein, it is predicted to be benign by multiple in silico algorithms, and/or has population frequency not consistent with disease.

Laboratory for Molecular Medicine, Mass General Brigham Personalized Medicine
Classification: Benign. Last evaluated: 2014-11-26. Review status: criteria provided, single submitter. Criteria: LMM Criteria. Collection method: clinical testing. Allele origin: germline. Observed: 2 variant alleles.
Comment: p.Ser8500Ser in exon 182 of NEB: This variant is not expected to have clinical s ignificance because it has been identified in 6.5% (530/8194) of European Americ an chromosomes by the NHLBI Exome Sequencing Project (du/EVS/; dbSNP rs13031275).

Breakthrough Genomics
Classification: Benign. Review status: criteria provided, single submitter. Criteria: ACMG Guidelines, 2015. Collection method: not provided. Allele origin: germline. Inheritance: Autosomal recessive inheritance. Affected: yes.

PreventionGenetics, part of Exact Sciences
Classification: Benign. Review status: criteria provided, single submitter. Criteria: ACMG Guidelines, 2015. Collection method: clinical testing. Allele origin: germline.

Natera, Inc.
Classification: Benign for Nemaline myopathy type 2. Last evaluated: 2020-09-16. Review status: no assertion criteria provided. Collection method: clinical testing. Allele origin: germline. Not counted in ClinVar's aggregate classification.

Genetic Services Laboratory, University of Chicago
Classification: Likely benign for AllHighlyPenetrant. Review status: no assertion criteria provided. Collection method: clinical testing. Allele origin: germline. Inheritance: Autosomal recessive inheritance. Not counted in ClinVar's aggregate classification.
Comment: Likely benign based on allele frequency in 1000 Genomes Project or ESP global frequency and its presence in a patient with a rare or unrelated disease phenotype. NOT Sanger confirmed.

NM_001164508.2(NEB):c.25395T>G (p.Ser8465=)

Genes: NEB (nebulin; minus strand), RIF1 (replication timing regulatory factor 1; plus strand). Cytogenetic location: 2q23.3.
Variant type: single nucleotide variant.
Coding change: c.25395T>G on transcript NM_001164508.2 (MANE Select); coding-DNA position 25395, T replaced by G.
Protein change: p.Ser8465=; no amino-acid change (serine 8465 retained).
Molecular consequence: synonymous variant.
Genome position (GRCh38, 1-based): chr2:151,489,980, A>C on the plus strand (T>G on the coding strand, the complement: NEB is on the minus strand). VCF-style: chr2-151489980-A-C. GRCh37 (hg19) VCF-style: chr2-152346494-A-C.
Other names: p.Ser8500=; c.25395T>G, p.Ser8465= (NM_001164507.2); c.25500T>G, p.Ser8500= (NM_001271208.2); c.19827T>G, p.Ser6609= (NM_004543.5).
Identifiers: ClinVar variation 129735 (VCV000129735.29), dbSNP rs13031275, ClinGen allele CA153972.
Genomic context (GRCh38, chr2:151,489,980, plus strand): 5'-ACATATCAAAAATTAAGAATAATTTATTTAAGTGAGTTGTTATTCACTTACTCCAGCAGT[A>C]GATGGATGAGATGGGATGGAAGATACCGTTGTCTGTTGGGTAGCAACTGAAGATGATCGT-3'
Protein context (NP_001157980.2, residues 8455-8475): TTVSSIPSHP[Ser8465=]TAGKIFRAMY